The following is an entry in ClinVar:

ClinVar aggregate classification (germline): Likely benign. Review status: criteria provided, multiple submitters, no conflicts (2 of 4 stars). 2 submissions from 2 submitters: Likely benign (2). Last evaluated 2026-07-21.

Conditions:
TRIOBP-related disorder. Also called: TRIOBP-related condition.

Allele frequency attached by ClinVar (database versions not stated): gnomAD exomes 0.00010; 1000 Genomes Project 30x 0.00141; 1000 Genomes Project 0.00160.
gnomAD v4.1: 358 of 1,374,926 alleles (0.026%); highest among the groups gnomAD compares: African/African-American, 0.5%; no homozygotes.

Submissions (2):

PreventionGenetics, part of Exact Sciences
Classification: Likely benign for TRIOBP-related condition. Last evaluated: 2026-07-21. Review status: criteria provided, single submitter. Criteria: ACMG Guidelines, 2015. Collection method: clinical testing. Allele origin: germline.
Comment: This variant is classified as likely benign based on ACMG/AMP sequence variant interpretation guidelines (Richards et al. 2015 PMID: 25741868, with internal and published modifications).

GeneDx
Classification: Likely benign. Last evaluated: 2020-06-30. Review status: criteria provided, single submitter. Criteria: GeneDx Variant Classification Process June 2021. Collection method: clinical testing. Allele origin: germline. Affected: yes.

NM_001039141.3(TRIOBP):c.5322+5351G>T

Gene: TRIOBP (TRIO and F-actin binding protein; plus strand). Cytogenetic location: 22q13.1.
Variant type: single nucleotide variant.
Coding change: c.5322+5351G>T on transcript NM_001039141.3 (MANE Select); 5351 bases into the intron after coding-DNA position 5322, G replaced by T.
Molecular consequence: intron variant. On other transcripts: missense variant (2).
Genome position (GRCh38, 1-based): chr22:37,746,383, G>T. VCF-style: chr22-37746383-G-T. GRCh37 (hg19) VCF-style: chr22-38142390-G-T.
Other names: c.146G>T, p.Cys49Phe (NM_007032.5, NM_138632.2); short protein forms C49F.
Identifiers: ClinVar variation 1187473 (VCV001187473.3), dbSNP rs562698421, ClinGen allele CA10224606.